The following is an entry in ClinVar:

ClinVar aggregate classification (germline): Uncertain significance. Review status: criteria provided, multiple submitters, no conflicts (2 of 4 stars). 2 submissions from 2 submitters: Uncertain significance (2). Last evaluated 2024-05-14.

Conditions:
Hereditary spastic paraplegia 11. Also called: SPASTIC PARAPLEGIA, AUTOSOMAL RECESSIVE, COMPLICATED, WITH THIN CORPUS CALLOSUM; SPASTIC PARAPLEGIA, AUTOSOMAL RECESSIVE, WITH MENTAL IMPAIRMENT AND THIN CORPUS CALLOSUM; Nakamura Osame syndrome; Autosomal recessive hereditary spastic paraplegia, mental impairment, and thin corpus callosum; Spastic Paraplegia 11; Spastic paraplegia, mental retardation and thin corpus callosum. Identifiers: Orphanet 2822, MedGen C1858479, MONDO:0011445, OMIM 604360.

Submissions (2):

GeneDx
Classification: Uncertain significance. Last evaluated: 2024-05-14. Review status: criteria provided, single submitter. Criteria: GeneDx Variant Classification Process June 2021. Collection method: clinical testing. Allele origin: germline. Affected: yes.
Comment: Not observed at significant frequency in large population cohorts (gnomAD); In silico analysis indicates that this missense variant does not alter protein structure/function; Has not been previously published as pathogenic or benign to our knowledge

Neuberg Centre For Genomic Medicine, NCGM
Classification: Uncertain significance for Hereditary spastic paraplegia 11. Last evaluated: 2023-05-20. Review status: criteria provided, single submitter. Criteria: ACMG Guidelines, 2015. Collection method: clinical testing. Allele origin: germline. Inheritance: Autosomal recessive inheritance. Affected: yes.
Comment: The missense variant c.161T>G (p.Leu54Arg) in the SPG11 gene has not been reported previously as a pathogenic variant nor as a benign variant, to our knowledge. This variant is reported with the allele frequency (0.0005%) in the gnomAD Exomes. The amino acid Leucine at position 54 is changed to an Arginine changing protein sequence and it might alter its composition and physico-chemical properties. Multiple lines of computational evidence (Polyphen - Damaging, SIFT - Damaging and MutationTaster - Disease causing) predict a damaging effect on protein structure and function for this variant. The amino acid change p.Leu54Arg in SPG11 is predicted as conserved by GERP++ and PhyloP across 100 vertebrates. For these reasons, this variant has been classified as Uncertain Significance.

NM_025137.4(SPG11):c.161T>G (p.Leu54Arg)

Gene: SPG11 (SPG11 vesicle trafficking associated, spatacsin; minus strand). Cytogenetic location: 15q21.1.
Variant type: single nucleotide variant.
Coding change: c.161T>G on transcript NM_025137.4 (MANE Select); coding-DNA position 161, T replaced by G.
Protein change: p.Leu54Arg; replaces leucine 54 with arginine.
Molecular consequence: missense variant.
Genome position (GRCh38, 1-based): chr15:44,663,487, A>C on the plus strand (T>G on the coding strand, the complement: SPG11 is on the minus strand). VCF-style: chr15-44663487-A-C. GRCh37 (hg19) VCF-style: chr15-44955685-A-C.
Other names: c.161T>G, p.Leu54Arg (NM_001160227.2, NM_001411132.1); c.161T>G (NM_025137.3); short protein forms L54R.
Identifiers: ClinVar variation 3367021 (VCV003367021.2).